The following is an entry in ClinVar:

NM_001999.4(FBN2):c.7199_7200delinsCC (p.Ser2400Thr)

Gene: FBN2 (fibrillin 2; minus strand). Cytogenetic location: 5q23.3.
Variant type: Indel.
Coding change: c.7199_7200delinsCC on transcript NM_001999.4 (MANE Select); coding-DNA positions 7199 to 7200, GT replaced by CC.
Protein change: p.Ser2400Thr; replaces serine 2400 with threonine.
Molecular consequence: missense variant.
Genome position (GRCh38, 1-based): chr5:128,278,780-128,278,781, AC replaced by GG on the plus strand (GT replaced by CC on the coding strand, the reverse complement: FBN2 is on the minus strand). VCF-style: chr5-128278780-AC-GG. GRCh37 (hg19) VCF-style: chr5-127614472-AC-GG.
Other names: short protein forms S2400T.
Identifiers: ClinVar variation 1311121 (VCV001311121.2), dbSNP rs2126809625, ClinGen allele CA2573052417.
Genomic context (GRCh38, chr5:128,278,780, plus strand): 5'-GTGGCCCCAGCCTCGCCCACCATCACAGCAGCATTCTGACTTAGTGACGAGATTGCGACT[AC>GG]TGGATGCCATTTGACATATTGTCTGCAGTACCTCTGCAAAGCAGAGACCCTGTCGATTGT-3'
Protein context (NP_001990.2, residues 2390-2410): VLQTICQMAS[Ser2400Thr]SRNLVTKSEC

ClinVar aggregate classification (germline): Uncertain significance (1 of 4 stars; one submission).

Submission:

GeneDx
Classification: Uncertain significance. Last evaluated: 2019-12-09. Review status: criteria provided, single submitter. Criteria: GeneDx Variant Classification Process June 2021. Collection method: clinical testing. Allele origin: germline. Affected: yes.
Comment: Has not been previously published as pathogenic or benign to our knowledge; Not observed at a significant frequency in large population cohorts (Lek et al., 2016); In silico analysis, which includes protein predictors and evolutionary conservation, supports that this variant does not alter protein structure/function; Does not affect a cysteine residue within a calcium-binding EGF-like domain of the FBN2 gene; cysteine substitutions in the calcium-binding EGF-like domains represent the majority of pathogenic missense changes associated with FBN2 related disorders (Frederic et al., 2009)